The following is an entry in ClinVar:

NM_133433.4(NIPBL):c.5808+2T>C

Gene: NIPBL (NIPBL cohesin loading factor; plus strand). Cytogenetic location: 5p13.2.
Variant type: single nucleotide variant.
Coding change: c.5808+2T>C on transcript NM_133433.4 (MANE Select); the canonical splice donor site of the intron after coding-DNA position 5808, T replaced by C.
Molecular consequence: splice donor variant.
Genome position (GRCh38, 1-based): chr5:37,026,329, T>C. VCF-style: chr5-37026329-T-C. GRCh37 (hg19) VCF-style: chr5-37026431-T-C.
Other names: c.5808+2T>C (NM_015384.5).
Identifiers: ClinVar variation 1066128 (VCV001066128.7), dbSNP rs794727556, ClinGen allele CA359492409.

ClinVar aggregate classification (germline): Pathogenic (1 of 4 stars; one submission).

Conditions:
Cornelia de Lange syndrome 1 (CDLS1). Also called: Brachmann de Lange syndrome; TYPUS DEGENERATIVUS AMSTELODAMENSIS; NIPBL-Related Cornelia de Lange Syndrome. Identifiers: Orphanet 199, MedGen C4551851, MONDO:0007387, OMIM 122470.

Submission:

Labcorp Genetics (formerly Invitae), Labcorp
Classification: Pathogenic for Cornelia de Lange syndrome 1. Last evaluated: 2021-09-23. Review status: criteria provided, single submitter. Criteria: Invitae Variant Classification Sherloc (09022015). Collection method: clinical testing. Allele origin: germline.
Comment: This sequence change affects a donor splice site in intron 31 of the NIPBL gene. It is expected to disrupt RNA splicing. Variants that disrupt the donor or acceptor splice site typically lead to a loss of protein function (PMID: 16199547), and loss-of-function variants in NIPBL are known to be pathogenic (PMID: 15318302, 19763162, 23505322, 29995837). This variant is not present in population databases (ExAC no frequency). Disruption of this splice site has been observed in individuals with Cornelia de Lange syndrome (PMID: 20824775, 28425213). ClinVar contains an entry for this variant (Variation ID: 1066128). Algorithms developed to predict the effect of sequence changes on RNA splicing suggest that this variant may disrupt the consensus splice site. For these reasons, this variant has been classified as Pathogenic.

Literature cited by the submitters: PubMed 16199547; PubMed 15318302; PubMed 19763162; PubMed 23505322; PubMed 29995837; PubMed 20824775; PubMed 28425213.